The following is an entry in ClinVar:

ClinVar aggregate classification (germline): Uncertain significance. Review status: criteria provided, multiple submitters, no conflicts (2 of 4 stars). 2 submissions from 2 submitters: Uncertain significance (2). Last evaluated 2025-10-22.

Conditions:
Inborn genetic diseases. Identifiers: MedGen C0950123, MeSH D030342.
Combined oxidative phosphorylation defect type 17. Also called: Combined oxidative phosphorylation deficiency 17. Identifiers: Orphanet 369913, MedGen C3809526, MONDO:0014190, OMIM 615440.

Allele frequency attached by ClinVar (database versions not stated): gnomAD 0.00002 and 0.00005; gnomAD exomes 0.00002; TOPMed 0.00002; ExAC 0.00003; 1000 Genomes Project 0.00080; 1000 Genomes Project 30x 0.00078.
gnomAD v4.1: 42 of 1,611,432 alleles (0.0026%); highest among the groups gnomAD compares: East Asian, 0.011%; no homozygotes.

Submissions (2):

Ambry Genetics
Classification: Uncertain significance for Inborn genetic diseases. Last evaluated: 2025-10-22. Review status: criteria provided, single submitter. Criteria: Ambry Variant Classification Scheme 2023. Collection method: clinical testing. Allele origin: germline.

Labcorp Genetics (formerly Invitae), Labcorp
Classification: Uncertain significance for Combined oxidative phosphorylation defect type 17. Last evaluated: 2022-06-27. Review status: criteria provided, single submitter. Criteria: Invitae Variant Classification Sherloc (09022015). Collection method: clinical testing. Allele origin: germline.
Comment: This sequence change replaces arginine, which is basic and polar, with glutamine, which is neutral and polar, at codon 788 of the ELAC2 protein (p.Arg788Gln). This variant is present in population databases (rs567494102, gnomAD 0.02%). This variant has not been reported in the literature in individuals affected with ELAC2-related conditions. Algorithms developed to predict the effect of missense changes on protein structure and function are either unavailable or do not agree on the potential impact of this missense change (SIFT: "Tolerated"; PolyPhen-2: "Probably Damaging"; Align-GVGD: "Class C0"). In summary, the available evidence is currently insufficient to determine the role of this variant in disease. Therefore, it has been classified as a Variant of Uncertain Significance.

NM_018127.7(ELAC2):c.2363G>A (p.Arg788Gln)

Gene: ELAC2 (elaC ribonuclease Z 2; minus strand). Cytogenetic location: 17p12.
Variant type: single nucleotide variant.
Coding change: c.2363G>A on transcript NM_018127.7 (MANE Select); coding-DNA position 2363, G replaced by A.
Protein change: p.Arg788Gln; replaces arginine 788 with glutamine.
Molecular consequence: missense variant.
Genome position (GRCh38, 1-based): chr17:12,992,936, C>T on the plus strand (G>A on the coding strand, the complement: ELAC2 is on the minus strand). VCF-style: chr17-12992936-C-T. GRCh37 (hg19) VCF-style: chr17-12896253-C-T.
Other names: c.2243G>A, p.Arg748Gln (NM_001165962.2); c.2360G>A, p.Arg787Gln (NM_173717.2); c.2363G>A (NM_018127.6); short protein forms R788Q, R748Q, R787Q.
Identifiers: ClinVar variation 1434047 (VCV001434047.4), dbSNP rs567494102, ClinGen allele CA8400818.